The following is an entry in ClinVar:

NM_005733.3(KIF20A):c.857C>G (p.Pro286Arg)

Gene: KIF20A (kinesin family member 20A; plus strand). Cytogenetic location: 5q31.2.
Variant type: single nucleotide variant.
Coding change: c.857C>G on transcript NM_005733.3 (MANE Select); coding-DNA position 857, C replaced by G.
Protein change: p.Pro286Arg; replaces proline 286 with arginine.
Molecular consequence: missense variant.
Genome position (GRCh38, 1-based): chr5:138,183,193, C>G. VCF-style: chr5-138183193-C-G. GRCh37 (hg19) VCF-style: chr5-137518882-C-G.
Other names: short protein forms P286R.
Identifiers: ClinVar variation 2790193 (VCV002790193.3), dbSNP rs2482180897, ClinGen allele CA361114381.

ClinVar aggregate classification (germline): Uncertain significance (1 of 4 stars; one submission).

Submission:

Labcorp Genetics (formerly Invitae), Labcorp
Classification: Uncertain significance. Last evaluated: 2023-04-06. Review status: criteria provided, single submitter. Criteria: Invitae Variant Classification Sherloc (09022015). Collection method: clinical testing. Allele origin: germline.
Comment: In summary, the available evidence is currently insufficient to determine the role of this variant in disease. Therefore, it has been classified as a Variant of Uncertain Significance. An algorithm developed to predict the effect of missense changes on protein structure and function (PolyPhen-2) suggests that this variant is likely to be tolerated. This variant has not been reported in the literature in individuals affected with KIF20A-related conditions. This variant is not present in population databases (gnomAD no frequency). This sequence change replaces proline, which is neutral and non-polar, with arginine, which is basic and polar, at codon 286 of the KIF20A protein (p.Pro286Arg).